The following is an entry in ClinVar:

NM_001297.5(CNGB1):c.2977-1G>A

Gene: CNGB1 (cyclic nucleotide gated channel subunit beta 1; minus strand). Cytogenetic location: 16q21.
Variant type: single nucleotide variant.
Coding change: c.2977-1G>A on transcript NM_001297.5 (MANE Select); the canonical splice acceptor site of the intron before coding-DNA position 2977, G replaced by A.
Molecular consequence: splice acceptor variant.
Genome position (GRCh38, 1-based): chr16:57,897,915, C>T on the plus strand (G>A on the coding strand, the complement: CNGB1 is on the minus strand). VCF-style: chr16-57897915-C-T. GRCh37 (hg19) VCF-style: chr16-57931819-C-T.
Other names: c.2959-1G>A (NM_001286130.2).
Identifiers: ClinVar variation 1494232 (VCV001494232.7), dbSNP rs865818297, ClinGen allele CA8082725.

ClinVar aggregate classification (germline): Pathogenic/Likely pathogenic. Review status: criteria provided, multiple submitters, no conflicts (2 of 4 stars). 2 submissions from 2 submitters: Pathogenic (1); Likely pathogenic (1). Last evaluated 2025-12-02.

Conditions:
Retinitis pigmentosa 45 (RP45). Identifiers: Orphanet 791, MedGen C3151066, MONDO:0013413, OMIM 613767.

Allele frequency attached by ClinVar (database versions not stated): ExAC 0.00001; gnomAD exomes below 0.00001 and 0.00001.
gnomAD v4.1: 4 of 1,614,192 alleles (0.00025%); highest among the groups gnomAD compares: East Asian, 0.0089%; no homozygotes.

Submissions (2):

Labcorp Genetics (formerly Invitae), Labcorp
Classification: Likely pathogenic. Last evaluated: 2025-12-02. Review status: criteria provided, single submitter. Criteria: Invitae Variant Classification Sherloc (09022015). Collection method: clinical testing. Allele origin: germline.
Comment: This sequence change affects an acceptor splice site in intron 29 of the CNGB1 gene. It is expected to disrupt RNA splicing. Variants that disrupt the donor or acceptor splice site typically lead to a loss of protein function (PMID: 16199547), and loss-of-function variants in CNGB1 are known to be pathogenic (PMID: 15557452, 24043777). This variant is present in population databases (no rsID available, gnomAD 0.01%). Disruption of this splice site has been observed in individual(s) with retinitis pigmentosa (internal data). ClinVar contains an entry for this variant (Variation ID: 1494232). Algorithms developed to predict the effect of sequence changes on RNA splicing suggest that this variant may disrupt the consensus splice site. In summary, the currently available evidence indicates that the variant is pathogenic, but additional data are needed to prove that conclusively. Therefore, this variant has been classified as Likely Pathogenic.

3billion
Classification: Pathogenic for Retinitis pigmentosa 45. Last evaluated: 2024-02-18. Review status: criteria provided, single submitter. Criteria: ACMG Guidelines, 2015. Collection method: clinical testing. Allele origin: germline. Affected: yes.
Comment: The variant is observed at an extremely low frequency in the gnomAD v2.1.1 dataset (total allele frequency: <0.001%). Predicted Consequence/Location: Canonical splice site: predicted to alter splicing and result in a loss or disruption of normal protein function. Multiple pathogenic loss-of-function variants are reported downstream of the variant. In silico tools predict the variant to alter splicing and produce an abnormal transcript [Splice AI: 0.99 (spliceogenicity >=0.2, non-spliceogenicity <0.1)]. The variant has been reported to be associated with CNGB1 related disorder (ClinVar ID: VCV001494232). Therefore, this variant is classified as Pathogenic according to the recommendation of ACMG/AMP guideline.

Literature cited by the submitters: PubMed 16199547 (cited by Labcorp Genetics (formerly Invitae), Labcorp); PubMed 15557452 (cited by Labcorp Genetics (formerly Invitae), Labcorp); PubMed 24043777 (cited by Labcorp Genetics (formerly Invitae), Labcorp).